The following is an entry in ClinVar:

ClinVar aggregate classification (germline): Uncertain significance (1 of 4 stars; one submission).

Allele frequency attached by ClinVar (database versions not stated): gnomAD exomes below 0.00001.

Submission:

GeneDx
Classification: Uncertain significance. Last evaluated: 2019-11-14. Review status: criteria provided, single submitter. Criteria: GeneDx Variant Classification Process June 2021. Collection method: clinical testing. Allele origin: germline. Affected: yes.
Comment: Not observed in large population cohorts (Lek et al., 2016); In silico analysis, which includes protein predictors and evolutionary conservation, supports a deleterious effect; Has not been previously published as pathogenic or benign to our knowledge

NM_001282531.3(ADNP):c.121T>C (p.Phe41Leu)

Gene: ADNP (activity dependent neuroprotector homeobox; minus strand). Cytogenetic location: 20q13.13.
Variant type: single nucleotide variant.
Coding change: c.121T>C on transcript NM_001282531.3 (MANE Select); coding-DNA position 121, T replaced by C.
Protein change: p.Phe41Leu; replaces phenylalanine 41 with leucine.
Molecular consequence: missense variant.
Genome position (GRCh38, 1-based): chr20:50,902,097, A>G on the plus strand (T>C on the coding strand, the complement: ADNP is on the minus strand). VCF-style: chr20-50902097-A-G. GRCh37 (hg19) VCF-style: chr20-49518634-A-G.
Other names: c.121T>C, p.Phe41Leu (NM_001282532.2, NM_001347511.2, NM_015339.5 and 1 more transcripts); short protein forms F41L.
Identifiers: ClinVar variation 1310439 (VCV001310439.2), dbSNP rs2122826673, ClinGen allele CA408981663.